The following is an entry in ClinVar:

NM_001386795.1(DTNA):c.784C>G (p.His262Asp)

Gene: DTNA (dystrobrevin alpha; plus strand). Cytogenetic location: 18q12.1.
Variant type: single nucleotide variant.
Coding change: c.784C>G on transcript NM_001386795.1 (MANE Select); coding-DNA position 784, C replaced by G.
Protein change: p.His262Asp; replaces histidine 262 with aspartic acid.
Molecular consequence: missense variant. On other transcripts: intron variant (1).
Genome position (GRCh38, 1-based): chr18:34,818,238, C>G. VCF-style: chr18-34818238-C-G. GRCh37 (hg19) VCF-style: chr18-32398202-C-G.
Other names: c.784C>G (NM_001390.4); c.784C>G, p.His262Asp (NM_001128175.2, NM_001198938.2, NM_001198939.2 and 34 more transcripts); c.603+6125C>G (NM_001198945.2); c.34C>G, p.His12Asp (NM_001198943.1); short protein forms H262D, H12D.
Identifiers: ClinVar variation 3505622 (VCV003505622.4), dbSNP rs369043538.
Genomic context (GRCh38, chr18:34,818,238, plus strand): 5'-GAGTGTTCCTACTGCCACAGTGAGAGTATGATGGGATTTCGCTACCGATGCCAACAGTGT[C>G]ACAATTACCAGCTCTGTCAGGACTGCTTCTGGAGGGGACATGCCGGTGGTTCTCATAGCA-3'
Protein context (NP_001373724.1, residues 252-272): MGFRYRCQQC[His262Asp]NYQLCQDCFW

ClinVar aggregate classification (germline): Uncertain significance. Review status: criteria provided, multiple submitters, no conflicts (2 of 4 stars). 3 submissions from 3 submitters: Uncertain significance (3). Last evaluated 2025-11-25.

Conditions:
DTNA-related disorder. Also called: DTNA-related condition.
Left ventricular noncompaction 1 (LVNC1). Also called: LEFT VENTRICULAR NONCOMPACTION 1 WITH OR WITHOUT CONGENITAL HEART DEFECTS. Identifiers: Orphanet 54260, MedGen C1858725, MONDO:0011403, OMIM 604169.

Allele frequency attached by ClinVar (database versions not stated): TOPMed 0.00003.
gnomAD v4.1: 13 of 1,614,036 alleles (0.00081%); highest among the groups gnomAD compares: Non-Finnish European, 0.001%; no homozygotes.

Submissions (3):

PreventionGenetics, part of Exact Sciences
Classification: Uncertain significance for DTNA-related condition. Last evaluated: 2025-11-25. Review status: criteria provided, single submitter. Criteria: ACMG Guidelines, 2015. Collection method: clinical testing. Allele origin: germline.
Comment: The DTNA c.784C>G variant is predicted to result in the amino acid substitution p.His262Asp. To our knowledge, this variant has not been reported in the literature. This variant is reported in 0.0018% of alleles in individuals of European (Non-Finnish) descent in gnomAD. At this time, the clinical significance of this variant is uncertain due to the absence of conclusive functional and genetic evidence.

Labcorp Genetics (formerly Invitae), Labcorp
Classification: Uncertain significance for Left ventricular noncompaction 1. Last evaluated: 2025-11-17. Review status: criteria provided, single submitter. Criteria: Invitae Variant Classification Sherloc (09022015). Collection method: clinical testing. Allele origin: germline.
Comment: This sequence change replaces histidine, which is basic and polar, with aspartic acid, which is acidic and polar, at codon 262 of the DTNA protein (p.His262Asp). This variant is present in population databases (no rsID available, gnomAD 0.002%). This variant has not been reported in the literature in individuals affected with DTNA-related conditions. ClinVar contains an entry for this variant (Variation ID: 3505622). Invitae Evidence Modeling of protein sequence and biophysical properties (such as structural, functional, and spatial information, amino acid conservation, physicochemical variation, residue mobility, and thermodynamic stability) indicates that this missense variant is not expected to disrupt DTNA protein function with a negative predictive value of 80%. In summary, the available evidence is currently insufficient to determine the role of this variant in disease. Therefore, it has been classified as a Variant of Uncertain Significance.

Ambry Genetics
Classification: Uncertain significance. Last evaluated: 2024-07-26. Review status: criteria provided, single submitter. Criteria: Ambry Variant Classification Scheme 2023. Collection method: clinical testing. Allele origin: germline.